The following is an entry in ClinVar:

ClinVar aggregate classification (germline): Uncertain significance. Review status: criteria provided, multiple submitters, no conflicts (2 of 4 stars). 3 submissions from 3 submitters: Uncertain significance (3). Last evaluated 2022-08-06.

Conditions:
Van Maldergem syndrome 1 (VMLDS1). Also called: Van Maldergem syndrome 1 (VMLDS1). Identifiers: Orphanet 314679, MedGen C4551950, MONDO:0011070, OMIM 601390.
Hennekam lymphangiectasia-lymphedema syndrome 1 (HKLLS1). Also called: LYMPHATIC DYSPLASIA, GENERALIZED. Identifiers: Orphanet 2136, MedGen C4012050, MONDO:0009337, OMIM 235510.
Van Maldergem syndrome 2 (VMLDS2). Identifiers: Orphanet 314679, MedGen C3809875, MONDO:0014242, OMIM 615546.
Hennekam lymphangiectasia-lymphedema syndrome 2 (HKLLS2). Identifiers: Orphanet 2136, MedGen C4014939, MONDO:0014454, OMIM 616006.

Allele frequency attached by ClinVar (database versions not stated): TOPMed 0.00002; gnomAD 0.00004; gnomAD exomes 0.00004 and 0.00006; ExAC 0.00006; ESP Exome Variant Server 0.00008.
gnomAD v4.1: 93 of 1,613,996 alleles (0.0058%); highest among the groups gnomAD compares: Non-Finnish European, 0.0064%; no homozygotes.

Submissions (3):

Labcorp Genetics (formerly Invitae), Labcorp
Classification: Uncertain significance. Last evaluated: 2022-08-06. Review status: criteria provided, single submitter. Criteria: Invitae Variant Classification Sherloc (09022015). Collection method: clinical testing. Allele origin: germline.
Comment: This sequence change replaces isoleucine, which is neutral and non-polar, with valine, which is neutral and non-polar, at codon 3077 of the FAT4 protein (p.Ile3077Val). This variant is present in population databases (rs138817920, gnomAD 0.04%). This variant has not been reported in the literature in individuals affected with FAT4-related conditions. ClinVar contains an entry for this variant (Variation ID: 598540). Advanced modeling of protein sequence and biophysical properties (such as structural, functional, and spatial information, amino acid conservation, physicochemical variation, residue mobility, and thermodynamic stability) performed at Invitae indicates that this missense variant is not expected to disrupt FAT4 protein function. Algorithms developed to predict the effect of sequence changes on RNA splicing suggest that this variant may create or strengthen a splice site. In summary, the available evidence is currently insufficient to determine the role of this variant in disease. Therefore, it has been classified as a Variant of Uncertain Significance.

GeneDx
Classification: Uncertain significance. Last evaluated: 2019-09-13. Review status: criteria provided, single submitter. Criteria: GeneDx Variant Classification Process June 2021. Collection method: clinical testing. Allele origin: germline. Affected: yes.
Comment: In silico analysis, which includes protein predictors and evolutionary conservation, supports that this variant does not alter protein structure/function; Has not been previously published as pathogenic or benign to our knowledge; In silico analysis, which includes splice predictors and evolutionary conservation, suggests this variant may impact gene splicing. In the absence of RNA/functional studies, the actual effect of this sequence change is unknown.

Eurofins Ntd Llc (ga)
Classification: Uncertain significance. Last evaluated: 2018-08-29. Review status: criteria provided, single submitter. Criteria: EGL ClinVar v180209 classification definitions. Collection method: clinical testing. Allele origin: germline. Observed: 1 variant allele, 1 heterozygote.

NM_001291303.3(FAT4):c.9235A>G (p.Ile3079Val)

Gene: FAT4 (FAT atypical cadherin 4; plus strand). Cytogenetic location: 4q28.1.
Variant type: single nucleotide variant.
Coding change: c.9235A>G on transcript NM_001291303.3 (MANE Select); coding-DNA position 9235, A replaced by G.
Protein change: p.Ile3079Val; replaces isoleucine 3079 with valine.
Molecular consequence: missense variant.
Genome position (GRCh38, 1-based): chr4:125,450,245, A>G. VCF-style: chr4-125450245-A-G. GRCh37 (hg19) VCF-style: chr4-126371400-A-G.
Other names: c.9235A>G, p.Ile3079Val (NM_001291285.3); c.9229A>G, p.Ile3077Val (NM_024582.6); short protein forms I3079V, I3077V.
Identifiers: ClinVar variation 598540 (VCV000598540.11), dbSNP rs138817920, ClinGen allele CA3073492.